The following is an entry in ClinVar:

NM_004360.5(CDH1):c.642G>A (p.Leu214=)

Gene: CDH1 (cadherin 1; plus strand). Cytogenetic location: 16q22.1.
Variant type: single nucleotide variant.
Coding change: c.642G>A on transcript NM_004360.5 (MANE Select); coding-DNA position 642, G replaced by A.
Protein change: p.Leu214=; no amino-acid change (leucine 214 retained).
Molecular consequence: synonymous variant. On other transcripts: 5 prime UTR variant (2).
Genome position (GRCh38, 1-based): chr16:68,808,803, G>A. VCF-style: chr16-68808803-G-A. GRCh37 (hg19) VCF-style: chr16-68842706-G-A.
Other names: p.Leu214=; c.642G>A, p.Leu214= (NM_001317184.2); c.-974G>A (NM_001317185.2); c.-1178G>A (NM_001317186.2).
Identifiers: ClinVar variation 1753483 (VCV001753483.8), dbSNP rs2543916271, ClinGen allele CA496392408.

ClinVar aggregate classification (germline): Likely benign. Review status: criteria provided, multiple submitters, no conflicts (2 of 4 stars). 3 submissions from 3 submitters: Likely benign (3). Last evaluated 2025-01-10.

Conditions:
Hereditary diffuse gastric adenocarcinoma (HDGC). Also called: DIFFUSE GASTRIC AND LOBULAR BREAST CANCER SYNDROME. Identifiers: Orphanet 26106, MedGen C1708349, MONDO:0007648, OMIM 137215.
Hereditary cancer-predisposing syndrome. Also called: Neoplastic Syndromes, Hereditary; Tumor predisposition; Hereditary neoplastic syndrome; Hereditary Cancer Syndrome. Identifiers: Orphanet 140162, MedGen C0027672, MeSH D009386, MONDO:0015356.

Submissions (3):

Mayo Clinic Laboratories, Mayo Clinic
Classification: Likely benign. Last evaluated: 2025-01-10. Review status: criteria provided, single submitter. Criteria: ACMG Guidelines, 2015. Collection method: clinical testing. Allele origin: germline. Observed: 1 variant allele.
Comment: BP4, BP7

Labcorp Genetics (formerly Invitae), Labcorp
Classification: Likely benign for Hereditary diffuse gastric adenocarcinoma. Last evaluated: 2022-10-01. Review status: criteria provided, single submitter. Criteria: Invitae Variant Classification Sherloc (09022015). Collection method: clinical testing. Allele origin: germline.

Ambry Genetics
Classification: Likely benign for Hereditary cancer-predisposing syndrome. Last evaluated: 2020-09-24. Review status: criteria provided, single submitter. Criteria: Ambry Variant Classification Scheme 2023. Collection method: clinical testing. Allele origin: germline.